The following is an entry in ClinVar:

NM_001042492.3(NF1):c.1748del (p.Lys583fs)

Gene: NF1 (neurofibromin 1; plus strand). Cytogenetic location: 17q11.2.
Variant type: Deletion.
Coding change: c.1748del on transcript NM_001042492.3 (MANE Select); coding-DNA position 1748, one base deleted (A; older notation c.1748delA).
Protein change: p.Lys583fs; shifts the reading frame from lysine 583.
Molecular consequence: frameshift variant.
Genome position (GRCh38, 1-based): chr17:31,223,470, A deleted; the last of 2 consecutive A bases (chr17:31,223,469-31,223,470); deleting either gives the same sequence. VCF-style (leftmost placement, unchanged base first): chr17-31223468-CA-C. GRCh37 (hg19) VCF-style: chr17-29550486-CA-C.
Other names: c.1748delA, p.Lys583Argfs (NM_000267.4); c.1748delA (NM_000267.3); short protein forms K583fs.
Identifiers: ClinVar variation 1444100 (VCV001444100.7), dbSNP rs2144015956, ClinGen allele CA2573153230.

ClinVar aggregate classification (germline): Pathogenic. Review status: criteria provided, multiple submitters, no conflicts (2 of 4 stars). 2 submissions from 2 submitters: Pathogenic (2). Last evaluated 2026-07-27.

Conditions:
Neurofibromatosis, type 1 (NF1). Also called: NEUROFIBROMATOSIS, TYPE I, SOMATIC; Peripheral type neurofibromatosis; VON RECKLINGHAUSEN DISEASE; Neurofibromatosis, type I. Identifiers: Orphanet 636, MedGen C0027831, MONDO:0018975, OMIM 162200. Disease mechanism: loss of function.
Cardiovascular phenotype. Identifiers: MedGen CN230736.
Hereditary cancer-predisposing syndrome. Also called: Hereditary Cancer Syndrome; Tumor predisposition; Neoplastic Syndromes, Hereditary; Hereditary neoplastic syndrome. Identifiers: Orphanet 140162, MedGen C0027672, MeSH D009386, MONDO:0015356.

Submissions (2):

Ambry Genetics
Classification: Pathogenic for Cardiovascular phenotype; Hereditary cancer-predisposing syndrome. Last evaluated: 2026-07-27. Review status: criteria provided, single submitter. Criteria: Ambry Variant Classification Scheme 2023. Collection method: clinical testing. Allele origin: germline.
Comment: The c.1748delA pathogenic mutation, located in coding exon 16 of the NF1 gene, results from a deletion of one nucleotide at nucleotide position 1748, causing a translational frameshift with a predicted alternate stop codon (p.K583Rfs*3). This nucleotide position is well conserved in available vertebrate species. In silico splice site analysis predicts that this alteration will weaken the native splice acceptor site and will result in the creation or strengthening of a novel splice acceptor site. RNA studies have demonstrated that this variant results in abnormal splicing in the set of samples tested (Ambry internal data). This variant is considered to be rare based on population cohorts in the Genome Aggregation Database (gnomAD). Based on the supporting evidence, this variant is interpreted as a disease-causing mutation.

Labcorp Genetics (formerly Invitae), Labcorp
Classification: Pathogenic for Neurofibromatosis, type 1. Last evaluated: 2023-05-23. Review status: criteria provided, single submitter. Criteria: Invitae Variant Classification Sherloc (09022015). Collection method: clinical testing. Allele origin: germline.
Comment: For these reasons, this variant has been classified as Pathogenic. Algorithms developed to predict the effect of sequence changes on RNA splicing suggest that this variant may disrupt the consensus splice site. ClinVar contains an entry for this variant (Variation ID: 1444100). This variant has not been reported in the literature in individuals affected with NF1-related conditions. This variant is not present in population databases (gnomAD no frequency). This sequence change creates a premature translational stop signal (p.Lys583Argfs*3) in the NF1 gene. It is expected to result in an absent or disrupted protein product. Loss-of-function variants in NF1 are known to be pathogenic (PMID: 10712197, 23913538).

Literature cited by the submitters: PubMed 10712197 (cited by Labcorp Genetics (formerly Invitae), Labcorp); PubMed 23913538 (cited by Labcorp Genetics (formerly Invitae), Labcorp).